The following is an entry in ClinVar:

ClinVar aggregate classification (germline): Likely benign. Review status: criteria provided, multiple submitters, no conflicts (2 of 4 stars). 2 submissions from 2 submitters: Likely benign (2). Last evaluated 2026-05-13.

Conditions:
Neurofibromatosis, type 1 (NF1). Also called: Neurofibromatosis, type I; NEUROFIBROMATOSIS, TYPE I, SOMATIC; Peripheral type neurofibromatosis; VON RECKLINGHAUSEN DISEASE. Identifiers: Orphanet 636, MedGen C0027831, MONDO:0018975, OMIM 162200. Disease mechanism: loss of function.

Allele frequency attached by ClinVar (database versions not stated): TOPMed 0.00001.
gnomAD v4.1: 2 of 1,603,854 alleles (0.00012%); highest among the groups gnomAD compares: Admixed American, 0.0033%; no homozygotes.

Submissions (2):

Myriad Genetics, Inc.
Classification: Likely benign for Neurofibromatosis, type 1. Last evaluated: 2026-05-13. Review status: criteria provided, single submitter. Criteria: Myriad Autosomal Dominant, Autosomal Recessive and X-Linked Classification Criteria (2023). Collection method: clinical testing. Allele origin: unknown.
Comment: This variant is considered likely benign. This variant is intronic and is not expected to impact mRNA splicing.

Labcorp Genetics (formerly Invitae), Labcorp
Classification: Likely benign for Neurofibromatosis, type 1. Last evaluated: 2024-11-12. Review status: criteria provided, single submitter. Criteria: Invitae Variant Classification Sherloc (09022015). Collection method: clinical testing. Allele origin: germline.

NM_001042492.3(NF1):c.4836-18T>C

Gene: NF1 (neurofibromin 1; plus strand). Cytogenetic location: 17q11.2.
Variant type: single nucleotide variant.
Coding change: c.4836-18T>C on transcript NM_001042492.3 (MANE Select); 18 bases into the intron before coding-DNA position 4836, T replaced by C.
Molecular consequence: intron variant.
Genome position (GRCh38, 1-based): chr17:31,325,802, T>C. VCF-style: chr17-31325802-T-C. GRCh37 (hg19) VCF-style: chr17-29652820-T-C.
Other names: c.4773-18T>C (NM_000267.4).
Identifiers: ClinVar variation 2048570 (VCV002048570.5), dbSNP rs969495992, ClinGen allele CA289377017.